The following is an entry in ClinVar:

ClinVar aggregate classification (germline): Uncertain significance (1 of 4 stars; one submission).

Conditions:
Vici syndrome (VICIS). Identifiers: Orphanet 1493, MedGen C1855772, MONDO:0009452, OMIM 242840.

Allele frequency attached by ClinVar (database versions not stated): gnomAD exomes below 0.00001; TOPMed below 0.00001.
gnomAD v4.1: 1 of 1,614,102 alleles (0.000062%); highest among the groups gnomAD compares: Non-Finnish European, 0.000085%; no homozygotes.

Submission:

Labcorp Genetics (formerly Invitae), Labcorp
Classification: Uncertain significance for Vici syndrome. Last evaluated: 2022-05-29. Review status: criteria provided, single submitter. Criteria: Invitae Variant Classification Sherloc (09022015). Collection method: clinical testing. Allele origin: germline.
Comment: This sequence change replaces phenylalanine, which is neutral and non-polar, with leucine, which is neutral and non-polar, at codon 1167 of the EPG5 protein (p.Phe1167Leu). This variant is not present in population databases (gnomAD no frequency). This variant has not been reported in the literature in individuals affected with EPG5-related conditions. Algorithms developed to predict the effect of missense changes on protein structure and function are either unavailable or do not agree on the potential impact of this missense change (SIFT: "Tolerated"; PolyPhen-2: "Probably Damaging"; Align-GVGD: "Class C0"). In summary, the available evidence is currently insufficient to determine the role of this variant in disease. Therefore, it has been classified as a Variant of Uncertain Significance.

NM_020964.3(EPG5):c.3501C>A (p.Phe1167Leu)

Gene: EPG5 (ectopic P-granules 5 autophagy tethering factor; minus strand). Cytogenetic location: 18q21.1.
Variant type: single nucleotide variant.
Coding change: c.3501C>A on transcript NM_020964.3 (MANE Select); coding-DNA position 3501, C replaced by A.
Protein change: p.Phe1167Leu; replaces phenylalanine 1167 with leucine.
Molecular consequence: missense variant.
Genome position (GRCh38, 1-based): chr18:45,916,090, G>T on the plus strand (C>A on the coding strand, the complement: EPG5 is on the minus strand). VCF-style: chr18-45916090-G-T. GRCh37 (hg19) VCF-style: chr18-43496055-G-T.
Other names: c.3501C>A, p.Phe1167Leu (NM_001410858.1, NM_001410859.1); short protein forms F1167L.
Identifiers: ClinVar variation 1954984 (VCV001954984.2), dbSNP rs1474104324, ClinGen allele CA402342327.